The following is an entry in ClinVar:

ClinVar aggregate classification (germline): Uncertain significance. Review status: criteria provided, multiple submitters, no conflicts (2 of 4 stars). 2 submissions from 2 submitters: Uncertain significance (2). Last evaluated 2024-04-20.

Conditions:
Primary ciliary dyskinesia. Also called: Ciliary dyskinesia. Identifiers: Orphanet 244, MedGen C0008780, MONDO:0016575, HP:0012265.

Allele frequency attached by ClinVar (database versions not stated): TOPMed 0.00014; 1000 Genomes Project 30x 0.00016; gnomAD exomes 0.00003; ExAC 0.00004; gnomAD 0.00009; 1000 Genomes Project 0.00020; ESP Exome Variant Server 0.00023.
gnomAD v4.1: 39 of 1,613,428 alleles (0.0024%); highest among the groups gnomAD compares: African/African-American, 0.032%; no homozygotes.

Submissions (2):

Ambry Genetics
Classification: Uncertain significance for Primary ciliary dyskinesia. Last evaluated: 2024-04-20. Review status: criteria provided, single submitter. Criteria: Ambry Variant Classification Scheme 2023. Collection method: clinical testing. Allele origin: germline.

Labcorp Genetics (formerly Invitae), Labcorp
Classification: Uncertain significance for Primary ciliary dyskinesia. Last evaluated: 2024-03-23. Review status: criteria provided, single submitter. Criteria: Invitae Variant Classification Sherloc (09022015). Collection method: clinical testing. Allele origin: germline.
Comment: This sequence change replaces arginine, which is basic and polar, with histidine, which is basic and polar, at codon 359 of the CCDC114 protein (p.Arg359His). This variant is present in population databases (rs139618333, gnomAD 0.04%). This variant has not been reported in the literature in individuals affected with CCDC114-related conditions. ClinVar contains an entry for this variant (Variation ID: 1682872). Algorithms developed to predict the effect of missense changes on protein structure and function output the following: SIFT: "Not Available"; PolyPhen-2: "Benign"; Align-GVGD: "Not Available". The histidine amino acid residue is found in multiple mammalian species, which suggests that this missense change does not adversely affect protein function. In summary, the available evidence is currently insufficient to determine the role of this variant in disease. Therefore, it has been classified as a Variant of Uncertain Significance.

NM_001364171.2(ODAD1):c.1187G>A (p.Arg396His)

Gene: ODAD1 (outer dynein arm docking complex subunit 1; minus strand). Cytogenetic location: 19q13.33.
Variant type: single nucleotide variant.
Coding change: c.1187G>A on transcript NM_001364171.2 (MANE Select); coding-DNA position 1187, G replaced by A.
Protein change: p.Arg396His; replaces arginine 396 with histidine.
Molecular consequence: missense variant.
Genome position (GRCh38, 1-based): chr19:48,302,747, C>T on the plus strand (G>A on the coding strand, the complement: ODAD1 is on the minus strand). VCF-style: chr19-48302747-C-T. GRCh37 (hg19) VCF-style: chr19-48806004-C-T.
Other names: c.1076G>A (NM_144577.3); c.1076G>A, p.Arg359His (NM_144577.4); short protein forms R359H, R396H.
Identifiers: ClinVar variation 1682872 (VCV001682872.6), dbSNP rs139618333, ClinGen allele CA9548787.